The following is an entry in ClinVar:

NM_014714.4(IFT140):c.1302G>A (p.Thr434=)

Genes: IFT140 (intraflagellar transport 140; minus strand), LOC105371046 (uncharacterized LOC105371046; plus strand). Cytogenetic location: 16p13.3.
Variant type: single nucleotide variant.
Coding change: c.1302G>A on transcript NM_014714.4 (MANE Select); coding-DNA position 1302, G replaced by A.
Protein change: p.Thr434=; no amino-acid change (threonine 434 retained).
Molecular consequence: synonymous variant.
Genome position (GRCh38, 1-based): chr16:1,584,274, C>T on the plus strand (G>A on the coding strand, the complement: IFT140 is on the minus strand). VCF-style: chr16-1584274-C-T. GRCh37 (hg19) VCF-style: chr16-1634275-C-T.
Other names: c.1302G>A (NM_014714.3).
Identifiers: ClinVar variation 1493564 (VCV001493564.8), dbSNP rs1045923210, ClinGen allele CA276680427.

ClinVar aggregate classification (germline): Likely benign. Review status: criteria provided, single submitter (1 of 4 stars). 2 submissions from 2 submitters: Likely benign (1). 1 of the submissions does not count toward it. Last evaluated 2026-02-01.

Conditions:
Saldino-Mainzer syndrome (SRTD9). Also called: Renal dysplasia, retinal pigmentary dystrophy, cerebellar ataxia and skeletal dysplasia; CONORENAL SYNDROME; SHORT-RIB THORACIC DYSPLASIA 9 WITHOUT POLYDACTYLY; short-rib thoracic dysplasia 9 with or without polydactyly. Identifiers: Orphanet 140969, MedGen C1849437, MONDO:0009964, OMIM 266920.
IFT140-related disorder. Also called: IFT140-related condition.

Allele frequency attached by ClinVar (database versions not stated): gnomAD 0.00001; gnomAD exomes 0.00001; TOPMed 0.00001.
gnomAD v4.1: 16 of 1,613,846 alleles (0.00099%); highest among the groups gnomAD compares: African/African-American, 0.004%; no homozygotes.

Submissions (2):

Labcorp Genetics (formerly Invitae), Labcorp
Classification: Likely benign for Saldino-Mainzer syndrome. Last evaluated: 2026-02-01. Review status: criteria provided, single submitter. Criteria: Invitae Variant Classification Sherloc (09022015). Collection method: clinical testing. Allele origin: germline.

PreventionGenetics, part of Exact Sciences
Classification: Uncertain significance for IFT140-related condition. Last evaluated: 2023-12-16. Review status: no assertion criteria provided. Collection method: clinical testing. Allele origin: germline. Not counted in ClinVar's aggregate classification.
Comment: The IFT140 c.1302G>A variant is not predicted to result in an amino acid change (p.=). This variant is predicted to create a cryptic splice acceptor site according to an in silico splicing algorithm (SpliceAI, Jaganathan K, et al. 2019. PubMed ID: 30661751). To our knowledge, this variant has not been reported in the literature. This variant is reported in 0.0040% of alleles in individuals of African descent in gnomAD. At this time, the clinical significance of this variant is uncertain due to the absence of conclusive functional and genetic evidence.